The following is an entry in ClinVar:

ClinVar aggregate classification (germline): Uncertain significance. Review status: criteria provided, multiple submitters, no conflicts (2 of 4 stars). 2 submissions from 2 submitters: Uncertain significance (2). Last evaluated 2025-06-10.

Conditions:
Hereditary cancer-predisposing syndrome. Also called: Tumor predisposition; Hereditary neoplastic syndrome; Neoplastic Syndromes, Hereditary; Hereditary Cancer Syndrome. Identifiers: Orphanet 140162, MedGen C0027672, MeSH D009386, MONDO:0015356.

Allele frequency attached by ClinVar (database versions not stated): gnomAD 0.00001; TOPMed 0.00001.

Submissions (2):

Labcorp Genetics (formerly Invitae), Labcorp
Classification: Uncertain significance. Last evaluated: 2025-06-10. Review status: criteria provided, single submitter. Criteria: Invitae Variant Classification Sherloc (09022015). Collection method: clinical testing. Allele origin: germline.
Comment: This sequence change replaces glycine, which is neutral and non-polar, with aspartic acid, which is acidic and polar, at codon 14 of the POLE protein (p.Gly14Asp). This variant is not present in population databases (gnomAD no frequency). This variant has not been reported in the literature in individuals affected with POLE-related conditions. ClinVar contains an entry for this variant (Variation ID: 952454). An algorithm developed to predict the effect of missense changes on protein structure and function (PolyPhen-2) suggests that this variant is likely to be tolerated. In summary, the available evidence is currently insufficient to determine the role of this variant in disease. Therefore, it has been classified as a Variant of Uncertain Significance.

Ambry Genetics
Classification: Uncertain significance for Hereditary cancer-predisposing syndrome. Last evaluated: 2021-12-20. Review status: criteria provided, single submitter. Criteria: Ambry Variant Classification Scheme 2023. Collection method: clinical testing. Allele origin: germline.
Comment: The p.G14D variant (also known as c.41G>A), located in coding exon 1 of the POLE gene, results from a G to A substitution at nucleotide position 41. The glycine at codon 14 is replaced by aspartic acid, an amino acid with similar properties. This amino acid position is conserved. In addition, this alteration is predicted to be tolerated by in silico analysis. Since supporting evidence is limited at this time, the clinical significance of this alteration remains unclear.

NM_006231.4(POLE):c.41G>A (p.Gly14Asp)

Genes: POLE (DNA polymerase epsilon, catalytic subunit; minus strand), LOC130009266 (ATAC-STARR-seq lymphoblastoid silent region 5123; plus strand). Cytogenetic location: 12q24.33.
Variant type: single nucleotide variant.
Coding change: c.41G>A on transcript NM_006231.4 (MANE Select); coding-DNA position 41, G replaced by A.
Protein change: p.Gly14Asp; replaces glycine 14 with aspartic acid.
Molecular consequence: missense variant.
Genome position (GRCh38, 1-based): chr12:132,687,275, C>T on the plus strand (G>A on the coding strand, the complement: POLE is on the minus strand). VCF-style: chr12-132687275-C-T. GRCh37 (hg19) VCF-style: chr12-133263861-C-T.
Other names: short protein forms G14D.
Identifiers: ClinVar variation 952454 (VCV000952454.12), dbSNP rs1052196814, ClinGen allele CA246308259.